The following is an entry in ClinVar:

NM_000330.4(RS1):c.452A>C (p.Tyr151Ser)

Genes: CDKL5 (cyclin dependent kinase like 5; plus strand), RS1 (retinoschisin 1; minus strand). Cytogenetic location: Xp22.13.
Variant type: single nucleotide variant.
Coding change: c.452A>C on transcript NM_000330.4 (MANE Select); coding-DNA position 452, A replaced by C.
Protein change: p.Tyr151Ser; replaces tyrosine 151 with serine.
Molecular consequence: missense variant. On other transcripts: intron variant (2).
Genome position (GRCh38, 1-based): chrX:18,644,500, T>G on the plus strand (A>C on the coding strand, the complement: RS1 is on the minus strand). VCF-style: chrX-18644500-T-G. GRCh37 (hg19) VCF-style: chrX-18662620-T-G.
Other names: c.2714-1507T>G (NM_003159.3, NM_001037343.2); short protein forms Y151S.
Identifiers: ClinVar variation 429436 (VCV000429436.8), dbSNP rs1131691380, ClinGen allele CA412371625.

ClinVar aggregate classification (germline): Pathogenic/Likely pathogenic. Review status: criteria provided, multiple submitters, no conflicts (2 of 4 stars). 3 submissions from 3 submitters: Pathogenic (1); Likely pathogenic (2). Last evaluated 2026-01-26.

Conditions:
Juvenile retinoschisis (RS1). Also called: X-linked retinoschisis; X-Linked Juvenile Retinoschisis. Identifiers: Orphanet 792, MedGen C3714753, MONDO:0010725, OMIM 312700.

Submissions (3):

Medical and Scientific Branch, Hong Kong Genome Institute
Classification: Likely pathogenic for Juvenile retinoschisis. Last evaluated: 2026-01-26. Review status: criteria provided, single submitter. Criteria: ACMG Guidelines, 2015. Collection method: clinical testing. Allele origin: maternal. Affected: yes.

Labcorp Genetics (formerly Invitae), Labcorp
Classification: Pathogenic. Last evaluated: 2023-09-14. Review status: criteria provided, single submitter. Criteria: Invitae Variant Classification Sherloc (09022015). Collection method: clinical testing. Allele origin: germline.
Comment: This sequence change replaces tyrosine, which is neutral and polar, with serine, which is neutral and polar, at codon 151 of the RS1 protein (p.Tyr151Ser). For these reasons, this variant has been classified as Pathogenic. This variant disrupts the p.Tyr151 amino acid residue in RS1. Other variant(s) that disrupt this residue have been determined to be pathogenic (PMID: 24505212; Invitae). This suggests that this residue is clinically significant, and that variants that disrupt this residue are likely to be disease-causing. Advanced modeling of protein sequence and biophysical properties (such as structural, functional, and spatial information, amino acid conservation, physicochemical variation, residue mobility, and thermodynamic stability) performed at Invitae indicates that this missense variant is expected to disrupt RS1 protein function. ClinVar contains an entry for this variant (Variation ID: 429436). This missense change has been observed in individuals with clinical features of X-linked retinoschisis (PMID: 35456481; Invitae). This variant is not present in population databases (gnomAD no frequency).

GeneDx
Classification: Likely pathogenic. Last evaluated: 2016-09-07. Review status: criteria provided, single submitter. Criteria: GeneDx Variant Classification (06012015). Collection method: clinical testing. Allele origin: germline. Affected: yes.
Comment: The Y151S variant has not been published as a variant, nor has it been reported as a benign polymorphism to our knowledge. The Y151S variant was not observed in approximately 6,500 individuals of European and African American ancestry in the NHLBI Exome Sequencing Project, indicating it is not a common benign variant in these populations. The Y151S variant is a semi-conservative amino acid substitution that occurs at a position that is conserved across species. In silico analysis predicts this substitution is probably damaging to the protein structure/function. Other missense variants in this residue (Y151H, Y151N) and in nearby residues (C142W, D143V, D145H, E146K, E146D, Q154R, Y155C, R156G) have been reported in the Human Gene Mutation Database in association with X-linked juvenile retinoschisis (Stenson et al., 2014), supporting the functional importance of this region of the protein. Therefore, Y151S is interpreted to be a likely pathogenic variant.

Literature cited by the submitters: PubMed 24505212 (cited by Labcorp Genetics (formerly Invitae), Labcorp); PubMed 35456481 (cited by Labcorp Genetics (formerly Invitae), Labcorp).